The following is an entry in ClinVar:

NM_002519.3(NPAT):c.4000A>T (p.Thr1334Ser)

Gene: NPAT (nuclear protein, coactivator of histone transcription; minus strand). Cytogenetic location: 11q22.3.
Variant type: single nucleotide variant.
Coding change: c.4000A>T on transcript NM_002519.3 (MANE Select); coding-DNA position 4000, A replaced by T.
Protein change: p.Thr1334Ser; replaces threonine 1334 with serine.
Molecular consequence: missense variant.
Genome position (GRCh38, 1-based): chr11:108,161,086, T>A on the plus strand (A>T on the coding strand, the complement: NPAT is on the minus strand). VCF-style: chr11-108161086-T-A. GRCh37 (hg19) VCF-style: chr11-108031813-T-A.
Other names: c.4021A>T, p.Thr1341Ser (NM_001321307.1); short protein forms T1334S, T1341S.
Identifiers: ClinVar variation 2003994 (VCV002003994.4), dbSNP rs1591382154, ClinGen allele CA382509580.

ClinVar aggregate classification (germline): Uncertain significance (1 of 4 stars; one submission).

Submission:

Labcorp Genetics (formerly Invitae), Labcorp
Classification: Uncertain significance. Last evaluated: 2022-06-09. Review status: criteria provided, single submitter. Criteria: Invitae Variant Classification Sherloc (09022015). Collection method: clinical testing. Allele origin: germline.
Comment: This variant has not been reported in the literature in individuals affected with NPAT-related conditions. In summary, the available evidence is currently insufficient to determine the role of this variant in disease. Therefore, it has been classified as a Variant of Uncertain Significance. Algorithms developed to predict the effect of missense changes on protein structure and function are either unavailable or do not agree on the potential impact of this missense change (SIFT: "Deleterious"; PolyPhen-2: "Probably Damaging"; Align-GVGD: "Class C0"). This variant is not present in population databases (gnomAD no frequency). This sequence change replaces threonine, which is neutral and polar, with serine, which is neutral and polar, at codon 1334 of the NPAT protein (p.Thr1334Ser).